The following is an entry in ClinVar:

NM_001018115.3(FANCD2):c.4202C>T (p.Ser1401Phe)

Genes: FANCD2 (FA complementation group D2; plus strand), FANCD2OS (FANCD2 opposite strand; minus strand). Cytogenetic location: 3p25.3.
Variant type: single nucleotide variant.
Coding change: c.4202C>T on transcript NM_001018115.3 (MANE Select); coding-DNA position 4202, C replaced by T.
Protein change: p.Ser1401Phe; replaces serine 1401 with phenylalanine.
Molecular consequence: missense variant. On other transcripts: intron variant (1).
Genome position (GRCh38, 1-based): chr3:10,098,736, C>T. VCF-style: chr3-10098736-C-T. GRCh37 (hg19) VCF-style: chr3-10140420-C-T.
Other names: c.4202C>T, p.Ser1401Phe (NM_001319984.2, NM_033084.6); c.4091C>T, p.Ser1364Phe (NM_001374253.1); c.4163C>T, p.Ser1388Phe (NM_001374254.1); c.*43+5462G>A (NM_173472.2); short protein forms S1401F, S1364F, S1388F.
Identifiers: ClinVar variation 2156392 (VCV002156392.1), dbSNP rs2470095468, ClinGen allele CA351758656.

ClinVar aggregate classification (germline): Uncertain significance (1 of 4 stars; one submission).

Conditions:
Fanconi anemia (FA). Also called: Fanconi's anemia. Identifiers: Orphanet 84, MedGen C0015625, MeSH D005199, MONDO:0019391.

Allele frequency attached by ClinVar (database versions not stated): gnomAD exomes below 0.00001.
gnomAD v4.1: 2 of 1,614,120 alleles (0.00012%); highest among the groups gnomAD compares: Admixed American, 0.0017%; no homozygotes.

Submission:

Labcorp Genetics (formerly Invitae), Labcorp
Classification: Uncertain significance for Fanconi anemia. Last evaluated: 2025-09-08. Review status: criteria provided, single submitter. Criteria: Invitae Variant Classification Sherloc (09022015). Collection method: clinical testing. Allele origin: germline.
Comment: This sequence change replaces serine, which is neutral and polar, with phenylalanine, which is neutral and non-polar, at codon 1401 of the FANCD2 protein (p.Ser1401Phe). This variant is not present in population databases (gnomAD no frequency). This variant has not been reported in the literature in individuals affected with FANCD2-related conditions. ClinVar contains an entry for this variant (Variation ID: 2156392). Invitae Evidence Modeling of protein sequence and biophysical properties (such as structural, functional, and spatial information, amino acid conservation, physicochemical variation, residue mobility, and thermodynamic stability) indicates that this missense variant is expected to disrupt FANCD2 protein function with a positive predictive value of 80%. In summary, the available evidence is currently insufficient to determine the role of this variant in disease. Therefore, it has been classified as a Variant of Uncertain Significance.